The following is an entry in ClinVar:

NM_001375567.1(FOCAD):c.5005G>C (p.Ala1669Pro)

Gene: FOCAD (focadhesin; plus strand). Cytogenetic location: 9p21.3.
Variant type: single nucleotide variant.
Coding change: c.5005G>C on transcript NM_001375567.1 (MANE Select); coding-DNA position 5005, G replaced by C.
Protein change: p.Ala1669Pro; replaces alanine 1669 with proline.
Molecular consequence: missense variant.
Genome position (GRCh38, 1-based): chr9:20,990,123, G>C. VCF-style: chr9-20990123-G-C. GRCh37 (hg19) VCF-style: chr9-20990122-G-C.
Other names: c.4900G>C, p.Ala1634Pro (NM_001375568.1, NM_001375570.1); c.5005G>C, p.Ala1669Pro (NM_017794.5); short protein forms A1669P, A1634P.
Identifiers: ClinVar variation 3632801 (VCV003632801.2).

ClinVar aggregate classification (germline): Uncertain significance (1 of 4 stars; one submission).

gnomAD v4.1: 5 of 1,614,060 alleles (0.00031%); highest among the groups gnomAD compares: Non-Finnish European, 0.00034%; no homozygotes.

Submission:

Labcorp Genetics (formerly Invitae), Labcorp
Classification: Uncertain significance. Last evaluated: 2024-03-29. Review status: criteria provided, single submitter. Criteria: Invitae Variant Classification Sherloc (09022015). Collection method: clinical testing. Allele origin: germline.
Comment: This sequence change replaces alanine, which is neutral and non-polar, with proline, which is neutral and non-polar, at codon 1669 of the FOCAD protein (p.Ala1669Pro). This variant is present in population databases (rs772170959, gnomAD 0.0009%). This variant has not been reported in the literature in individuals affected with FOCAD-related conditions. Experimental studies and prediction algorithms are not available or were not evaluated, and the functional significance of this variant is currently unknown. In summary, the available evidence is currently insufficient to determine the role of this variant in disease. Therefore, it has been classified as a Variant of Uncertain Significance.